The following is an entry in ClinVar:

NM_201384.3(PLEC):c.6658G>A (p.Ala2220Thr)

Gene: PLEC (plectin; minus strand). Cytogenetic location: 8q24.3.
Variant type: single nucleotide variant.
Coding change: c.6658G>A on transcript NM_201384.3 (MANE Select); coding-DNA position 6658, G replaced by A.
Protein change: p.Ala2220Thr; replaces alanine 2220 with threonine.
Molecular consequence: missense variant.
Genome position (GRCh38, 1-based): chr8:143,923,271, C>T on the plus strand (G>A on the coding strand, the complement: PLEC is on the minus strand). VCF-style: chr8-143923271-C-T. GRCh37 (hg19) VCF-style: chr8-144997439-C-T.
Other names: c.6739G>A, p.Ala2247Thr (NM_000445.5); c.6616G>A, p.Ala2206Thr (NM_201378.4); c.6592G>A, p.Ala2198Thr (NM_201379.3); c.7069G>A, p.Ala2357Thr (NM_201380.4); c.6562G>A, p.Ala2188Thr (NM_201381.3); c.6658G>A, p.Ala2220Thr (NM_201382.4); c.6670G>A, p.Ala2224Thr (NM_201383.3); short protein forms A2188T, A2198T, A2206T, A2220T, A2224T, A2247T, A2357T.
Identifiers: ClinVar variation 1807405 (VCV001807405.7), dbSNP rs1212728632, ClinGen allele CA4925911.
Genomic context (GRCh38, chr8:143,923,271, plus strand): 5'-GCTCCTCCATCTGCACGCGCACCGAGAAGAGCTCCTCCTCCACCTGGCTGCGCTGGCGTG[C>T]GGCCTCCGTGGCCTCCGCCTTCAGCCGCTGCAGCTCCTCGTCCAGCAGGTTCTTCTGGTG-3'
Protein context (NP_958786.1, residues 2210-2230): QRLKAEATEA[Ala2220Thr]RQRSQVEEEL

ClinVar aggregate classification (germline): Uncertain significance. Review status: criteria provided, multiple submitters, no conflicts (2 of 4 stars). 3 submissions from 3 submitters: Uncertain significance (3). Last evaluated 2025-10-02.

Conditions:
Epidermolysis bullosa simplex 5B, with muscular dystrophy (EBS5B). Also called: EPIDERMOLYSIS BULLOSA SIMPLEX AND LIMB-GIRDLE MUSCULAR DYSTROPHY; Epidermolysis bullosa simplex with muscular dystrophy. Identifiers: Orphanet 257, MedGen C2931072, MONDO:0009181, OMIM 226670.
Epidermolysis bullosa simplex, Ogna type (EBS5A). Also called: Pidermolysis bullosa simplex 5A, Ogna type; EPIDERMOLYSIS BULLOSA SIMPLEX 5A, OGNA TYPE. Identifiers: Orphanet 79401, MedGen C0432317, MONDO:0007555, OMIM 131950.
Epidermolysis bullosa simplex with nail dystrophy (EBS5D). Identifiers: MedGen C4225309, MONDO:0014661, OMIM 616487.
Autosomal recessive limb-girdle muscular dystrophy type 2Q (LGMDR17). Also called: MUSCULAR DYSTROPHY, LIMB-GIRDLE, AUTOSOMAL RECESSIVE 17. Identifiers: Orphanet 254361, MedGen C3150989, MONDO:0013390, OMIM 613723.
Epidermolysis bullosa simplex 5C, with pyloric atresia (EBS5C). Also called: PLEC1-Related Epidermolysis Bullosa with Pyloric Atresia; Epidermolysis bullosa simplex with pyloric atresia; PLEC-Related Epidermolysis Bullosa with Pyloric Atresia. Identifiers: Orphanet 158684, MedGen C2677349, MONDO:0012807, OMIM 612138.

gnomAD v4.1: 22 of 1,606,682 alleles (0.0014%); highest among the groups gnomAD compares: Middle Eastern, 0.016%; no homozygotes.

Submissions (3):

Labcorp Genetics (formerly Invitae), Labcorp
Classification: Uncertain significance for Autosomal recessive limb-girdle muscular dystrophy type 2Q; Epidermolysis bullosa simplex, Ogna type; Epidermolysis bullosa simplex with nail dystrophy; Epidermolysis bullosa simplex 5C, with pyloric atresia; Epidermolysis bullosa simplex 5B, with muscular dystrophy. Last evaluated: 2025-10-02. Review status: criteria provided, single submitter. Criteria: Invitae Variant Classification Sherloc (09022015). Collection method: clinical testing. Allele origin: germline.
Comment: This sequence change replaces alanine, which is neutral and non-polar, with threonine, which is neutral and polar, at codon 2247 of the PLEC protein (p.Ala2247Thr). The frequency data for this variant in the population databases is considered unreliable, as metrics indicate poor data quality at this position in the gnomAD database. This variant has not been reported in the literature in individuals affected with PLEC-related conditions. ClinVar contains an entry for this variant (Variation ID: 1807405). An algorithm developed to predict the effect of missense changes on protein structure and function outputs the following: PolyPhen-2: "Benign". The threonine amino acid residue is found in multiple mammalian species, which suggests that this missense change does not adversely affect protein function. In summary, the available evidence is currently insufficient to determine the role of this variant in disease. Therefore, it has been classified as a Variant of Uncertain Significance.

Women's Health and Genetics/Laboratory Corporation of America, LabCorp
Classification: Uncertain significance. Last evaluated: 2024-09-24. Review status: criteria provided, single submitter. Criteria: LabCorp Variant Classification Summary - May 2015. Collection method: clinical testing. Allele origin: germline.
Comment: Variant summary: PLEC c.6739G>A (p.Ala2247Thr) results in a non-conservative amino acid change in the encoded protein sequence. Four of five in-silico tools predict a benign effect of the variant on protein function. The variant allele was found at a frequency of 1.7e-05 in 240550 control chromosomes. The available data on variant occurrences in the general population are insufficient to allow any conclusion about variant significance. To our knowledge, no occurrence of c.6739G>A in individuals affected with PLEC-Related Disorders and no experimental evidence demonstrating its impact on protein function have been reported. ClinVar contains an entry for this variant (Variation ID: 1807405). Based on the evidence outlined above, the variant was classified as uncertain significance.

Athena Diagnostics
Classification: Uncertain significance. Last evaluated: 2021-12-20. Review status: criteria provided, single submitter. Criteria: Athena Diagnostics Criteria. Collection method: clinical testing. Allele origin: unknown.